The following is an entry in ClinVar:

NM_001845.6(COL4A1):c.495T>A (p.His165Gln)

Gene: COL4A1 (collagen type IV alpha 1 chain; minus strand). Cytogenetic location: 13q34.
Variant type: single nucleotide variant.
Coding change: c.495T>A on transcript NM_001845.6 (MANE Select); coding-DNA position 495, T replaced by A.
Protein change: p.His165Gln; replaces histidine 165 with glutamine.
Molecular consequence: missense variant.
Genome position (GRCh38, 1-based): chr13:110,210,186, A>T on the plus strand (T>A on the coding strand, the complement: COL4A1 is on the minus strand). VCF-style: chr13-110210186-A-T. GRCh37 (hg19) VCF-style: chr13-110862533-A-T.
Other names: c.495T>A, p.His165Gln (NM_001303110.2); short protein forms H165Q.
Identifiers: ClinVar variation 596296 (VCV000596296.16), dbSNP rs762125888, ClinGen allele CA388725679.
Genomic context (GRCh38, chr13:110,210,186, plus strand): 5'-TACTGGAGTCCCTGGGATTCCGGGAAATCCTCTTTCACCTTTCAACAGCATCCCGGGCAC[A>T]TGGCCAAGTATCTCACCTGGATCACCCTAGAGGATGAAGAAAGAAAATAGAAAGTTGCAA-3'
Protein context (NP_001836.3, residues 155-175): MKGDPGEILG[His165Gln]VPGMLLKGER

ClinVar aggregate classification (germline): Uncertain significance. Review status: criteria provided, multiple submitters, no conflicts (2 of 4 stars). 5 submissions from 4 submitters: Uncertain significance (5). Last evaluated 2026-02-22.

Conditions:
Autosomal dominant familial hematuria-retinal arteriolar tortuosity-contractures syndrome. Also called: Angiopathy, hereditary, with nephropathy, aneurysms, and muscle cramps; Hereditary Angiopathy with Nephropathy, Aneurysms, and Muscle Cramps (HANAC) Syndrome. Identifiers: Orphanet 73229, MedGen C2673195, MONDO:0012726, OMIM 611773.
Brain small vessel disease 1 with or without ocular anomalies (BSVD1). Also called: BRAIN SMALL VESSEL DISEASE WITH HEMORRHAGE; GOULD SYNDROME 1; Brain small vessel disease with or without ocular anomalies; PORENCEPHALY, TYPE 1, AUTOSOMAL DOMINANT. Identifiers: Orphanet 2940, Orphanet 36383, Orphanet 99810, MedGen C4755307, MONDO:0008289, OMIM 175780.

gnomAD v4.1: 17 of 1,613,840 alleles (0.0011%); highest among the groups gnomAD compares: Non-Finnish European, 0.0014%; no homozygotes.

Submissions (5):

GeneDx
Classification: Uncertain significance. Last evaluated: 2026-02-22. Review status: criteria provided, single submitter. Criteria: GeneDx Variant Classification Process June 2021. Collection method: clinical testing. Allele origin: germline.
Comment: Has not been previously published as pathogenic or benign to our knowledge; In silico analysis suggests that this missense variant does not alter protein structure/function

Labcorp Genetics (formerly Invitae), Labcorp
Classification: Uncertain significance. Last evaluated: 2026-01-27. Review status: criteria provided, single submitter. Criteria: Invitae Variant Classification Sherloc (09022015). Collection method: clinical testing. Allele origin: germline.
Comment: This sequence change replaces histidine, which is basic and polar, with glutamine, which is neutral and polar, at codon 165 of the COL4A1 protein (p.His165Gln). This variant is present in population databases (no rsID available, gnomAD 0.002%). This variant has not been reported in the literature in individuals affected with COL4A1-related conditions. ClinVar contains an entry for this variant (Variation ID: 596296). Invitae Evidence Modeling of protein sequence and biophysical properties (such as structural, functional, and spatial information, amino acid conservation, physicochemical variation, residue mobility, and thermodynamic stability) indicates that this missense variant is not expected to disrupt COL4A1 protein function with a negative predictive value of 95%. In summary, the available evidence is currently insufficient to determine the role of this variant in disease. Therefore, it has been classified as a Variant of Uncertain Significance.

Eurofins Ntd Llc (ga)
Classification: Uncertain significance. Last evaluated: 2018-02-27. Review status: criteria provided, single submitter. Criteria: EGL ClinVar v180209 classification definitions. Collection method: clinical testing. Allele origin: germline. Observed: 2 variant alleles, 2 heterozygotes.

Illumina Laboratory Services, Illumina
Classification: Uncertain significance for Brain small vessel disease 1 with or without ocular anomalies. Last evaluated: 2018-01-13. Review status: criteria provided, single submitter. Criteria: ICSL Variant Classification Criteria 13 December 2019. Collection method: clinical testing. Allele origin: germline.

Illumina Laboratory Services, Illumina
Classification: Uncertain significance for Autosomal dominant familial hematuria-retinal arteriolar tortuosity-contractures syndrome. Last evaluated: 2018-01-13. Review status: criteria provided, single submitter. Criteria: ICSL Variant Classification Criteria 13 December 2019. Collection method: clinical testing. Allele origin: germline.